The following is an entry in ClinVar:

ClinVar aggregate classification (germline): Pathogenic/Likely pathogenic. Review status: criteria provided, multiple submitters, no conflicts (2 of 4 stars). 3 submissions from 3 submitters: Pathogenic (1); Likely pathogenic (2). Last evaluated 2025-07-14.

Conditions:
Dihydropteridine reductase deficiency (HPABH4C). Also called: HYPERPHENYLALANINEMIA, TETRAHYDROBIOPTERIN-DEFICIENT, DUE TO DHPR DEFICIENCY; Phenylketonuria II; BH4-Deficient Hyperphenylalaninemia C; QDPR DEFICIENCY; QUINOID DIHYDROPTERIDINE REDUCTASE DEFICIENCY; DHPR DEFICIENCY. Identifiers: Orphanet 226, Orphanet 238583, MedGen C0268465, MONDO:0009862, OMIM 261630.

Allele frequency attached by ClinVar (database versions not stated): TOPMed 0.00001; gnomAD 0.00001; gnomAD exomes below 0.00001; ExAC 0.00001.
gnomAD v4.1: 3 of 1,614,100 alleles (0.00019%); highest among the groups gnomAD compares: Non-Finnish European, 0.00025%; no homozygotes.

Submissions (3):

Labcorp Genetics (formerly Invitae), Labcorp
Classification: Pathogenic for Dihydropteridine reductase deficiency. Last evaluated: 2025-07-14. Review status: criteria provided, single submitter. Criteria: Invitae Variant Classification Sherloc (09022015). Collection method: clinical testing. Allele origin: germline.
Comment: This sequence change replaces histidine, which is basic and polar, with tyrosine, which is neutral and polar, at codon 158 of the QDPR protein (p.His158Tyr). This variant is present in population databases (rs750201480, gnomAD 0.0009%). This missense change has been observed in individual(s) with tetrahydrobiopterin (BH4)-deficient hyperphenylalaninemia (PMID: 3099067, 18060820, 27246466). ClinVar contains an entry for this variant (Variation ID: 505871). An algorithm developed to predict the effect of missense changes on protein structure and function (PolyPhen-2) suggests that this variant is likely to be disruptive. Experimental studies have shown that this missense change affects QDPR function (PMID: 8518287). For these reasons, this variant has been classified as Pathogenic.

Women's Health and Genetics/Laboratory Corporation of America, LabCorp
Classification: Likely pathogenic for Dihydropteridine reductase deficiency. Last evaluated: 2025-02-17. Review status: criteria provided, single submitter. Criteria: LabCorp Variant Classification Summary - May 2015. Collection method: clinical testing. Allele origin: germline.
Comment: Variant summary: QDPR c.472C>T (p.His158Tyr) results in a conservative amino acid change in the encoded protein sequence. Three of five in-silico tools predict a damaging effect of the variant on protein function. The variant allele was found at a frequency of 4e-06 in 250492 control chromosomes. c.472C>T has been reported in the literature in homozygous individuals affected with Dihydropteridine Reductase Deficiency (Smooker_1993, Khatami_2017). These data indicate that the variant is likely to be associated with disease. At least one publication reports experimental evidence evaluating an impact on protein function, however, does not allow convincing conclusions about the variant effect. The following publications have been ascertained in the context of this evaluation (PMID: 27246466, 8304097). ClinVar contains an entry for this variant (Variation ID: 505871). Based on the evidence outlined above, the variant was classified as likely pathogenic.

Laboratory for Molecular Medicine, Mass General Brigham Personalized Medicine
Classification: Likely pathogenic for Dihydropteridine reductase deficiency. Last evaluated: 2017-07-11. Review status: criteria provided, single submitter. Criteria: LMM Criteria. Collection method: clinical testing. Allele origin: germline. Inheritance: Autosomal recessive inheritance. Observed: 1 variant allele.
Comment: The p.His158Tyr (NM_000320.2 c.472C>T) variant in QDPR has been reported in at l east 3 homozygous individuals with dihydropteridine reductase deficiency (Smooke r 1993, Dianzani 1998, and Foroozani 2015). This variant has been identified 1/6 5,896 of European chromosomes by the Exome Aggregation Consortium (ExAC), and this frequency is low enough to be consistent with a recessive carrier frequency. Computational prediction tools and conservation analysis suggest that the p.His158Tyr variant may impact the protein, though thi s information is not predictive enough to determine pathogenicity. In summary, a lthough additional studies are required to fully establish its clinical signific ance, the p.His158Tyr variant is likely pathogenic for dihydropteridine reductas e deficiency in an autosomal recessive manner based upon biallelic observations in affected individuals.

Literature cited by the submitters: PubMed 3099067 (cited by Labcorp Genetics (formerly Invitae), Labcorp); PubMed 18060820 (cited by Labcorp Genetics (formerly Invitae), Labcorp); PubMed 27246466 (cited by Labcorp Genetics (formerly Invitae), Labcorp and Women's Health and Genetics/Laboratory Corporation of America, LabCorp); PubMed 8518287 (cited by Labcorp Genetics (formerly Invitae), Labcorp and Laboratory for Molecular Medicine, Mass General Brigham Personalized Medicine); PubMed 8304097 (cited by Women's Health and Genetics/Laboratory Corporation of America, LabCorp); PubMed 7627180 (cited by Laboratory for Molecular Medicine, Mass General Brigham Personalized Medicine); PubMed 8326489 (cited by Laboratory for Molecular Medicine, Mass General Brigham Personalized Medicine); PubMed 9744478 (cited by Laboratory for Molecular Medicine, Mass General Brigham Personalized Medicine); PubMed 26006720 (cited by Laboratory for Molecular Medicine, Mass General Brigham Personalized Medicine).

NM_000320.3(QDPR):c.472C>T (p.His158Tyr)

Gene: QDPR (quinoid dihydropteridine reductase; minus strand). Cytogenetic location: 4p15.32.
Variant type: single nucleotide variant.
Coding change: c.472C>T on transcript NM_000320.3 (MANE Select); coding-DNA position 472, C replaced by T.
Protein change: p.His158Tyr; replaces histidine 158 with tyrosine.
Molecular consequence: missense variant.
Genome position (GRCh38, 1-based): chr4:17,492,305, G>A on the plus strand (C>T on the coding strand, the complement: QDPR is on the minus strand). VCF-style: chr4-17492305-G-A. GRCh37 (hg19) VCF-style: chr4-17493928-G-A.
Other names: c.379C>T, p.His127Tyr (NM_001306140.2); short protein forms H158Y, H127Y.
Identifiers: ClinVar variation 505871 (VCV000505871.7), dbSNP rs750201480, ClinGen allele CA2868094.